The following is an entry in ClinVar:

NM_021971.4(GMPPB):c.312C>A (p.Phe104Leu)

Gene: GMPPB (GDP-mannose pyrophosphorylase B; minus strand). Cytogenetic location: 3p21.31.
Variant type: single nucleotide variant.
Coding change: c.312C>A on transcript NM_021971.4 (MANE Select); coding-DNA position 312, C replaced by A.
Protein change: p.Phe104Leu; replaces phenylalanine 104 with leucine.
Molecular consequence: missense variant.
Genome position (GRCh38, 1-based): chr3:49,723,062, G>T on the plus strand (C>A on the coding strand, the complement: GMPPB is on the minus strand). VCF-style: chr3-49723062-G-T. GRCh37 (hg19) VCF-style: chr3-49760495-G-T.
Other names: c.312C>A, p.Phe104Leu (NM_013334.4); short protein forms F104L.
Identifiers: ClinVar variation 2112171 (VCV002112171.4), dbSNP rs1178279045, ClinGen allele CA352829775.
Genomic context (GRCh38, chr3:49,723,062, plus strand): 5'-GTGGAACTGCACCATGGCTTGGAAGGGGAAATCGCAGATCACGTCACTGTTGAGGACGAA[G>T]AAAGGGTCTGCAGTCTCAGAGAGTAGGTCACGGGCCAGCGCCAGGGGCCCAGCTGGGGGA-3'
Protein context (NP_068806.2, residues 94-114): RDLLSETADP[Phe104Leu]FVLNSDVICD

ClinVar aggregate classification (germline): Uncertain significance (1 of 4 stars; one submission).

Conditions:
Muscular dystrophy-dystroglycanopathy (congenital with impaired intellectual development), type B, 14. Also called: Muscular dystrophy-dystroglycanopathy (congenital with intellectual disability), type B14; MUSCULAR DYSTROPHY, CONGENITAL, GMPPB-RELATED; Congenital muscular dystrophy-dystroglycanopathy with mental retardation, type B14. Identifiers: MedGen C3809221, MONDO:0014141, OMIM 615351.
Muscular dystrophy-dystroglycanopathy (congenital with brain and eye anomalies), type A14. Also called: WALKER-WARBURG SYNDROME OR MUSCLE-EYE-BRAIN DISEASE, GMPPB-RELATED; Muscular dystrophy-dystroglycanopathy (congenital with brain and eye anomalies), type a, 14; Congenital Muscular Dystrophy-Dystroglycanopathy with Brain and Eye Anomalies Type A 14; Congenital muscular dystrophy-dystroglycanopathy with brain and eye anomalies, type A14. Identifiers: Orphanet 588, MedGen C3809216, MONDO:0014140, OMIM 615350.
Autosomal recessive limb-girdle muscular dystrophy type 2T. Also called: MUSCULAR DYSTROPHY-DYSTROGLYCANOPATHY, LIMB-GIRDLE, GMPPB-RELATED; MUSCULAR DYSTROPHY, LIMB-GIRDLE, TYPE 2T; Muscular dystrophy-dystroglycanopathy (limb-girdle), type c, 14; Limb-girdle muscular dystrophy-dystroglycanopathy, type C14. Identifiers: Orphanet 363623, MedGen C4518000, MONDO:0014142, OMIM 615352.

Submission:

Labcorp Genetics (formerly Invitae), Labcorp
Classification: Uncertain significance for Autosomal recessive limb-girdle muscular dystrophy type 2T; Muscular dystrophy-dystroglycanopathy (congenital with brain and eye anomalies), type A14; Muscular dystrophy-dystroglycanopathy (congenital with impaired intellectual development), type B, 14. Last evaluated: 2022-03-14. Review status: criteria provided, single submitter. Criteria: Invitae Variant Classification Sherloc (09022015). Collection method: clinical testing. Allele origin: germline.
Comment: In summary, the available evidence is currently insufficient to determine the role of this variant in disease. Therefore, it has been classified as a Variant of Uncertain Significance. Algorithms developed to predict the effect of missense changes on protein structure and function are either unavailable or do not agree on the potential impact of this missense change (SIFT: "Deleterious"; PolyPhen-2: "Probably Damaging"; Align-GVGD: "Class C15"). This variant has not been reported in the literature in individuals affected with GMPPB-related conditions. This variant is not present in population databases (gnomAD no frequency). This sequence change replaces phenylalanine, which is neutral and non-polar, with leucine, which is neutral and non-polar, at codon 104 of the GMPPB protein (p.Phe104Leu).